The following is an entry in ClinVar:

NM_001267550.2(TTN):c.44744C>T (p.Thr14915Ile)

Gene: TTN (titin; minus strand). Cytogenetic location: 2q31.2.
Variant type: single nucleotide variant.
Coding change: c.44744C>T on transcript NM_001267550.2 (MANE Select); coding-DNA position 44744, C replaced by T.
Protein change: p.Thr14915Ile; replaces threonine 14915 with isoleucine.
Molecular consequence: missense variant.
Genome position (GRCh38, 1-based): chr2:178,624,536, G>A on the plus strand (C>T on the coding strand, the complement: TTN is on the minus strand). VCF-style: chr2-178624536-G-A. GRCh37 (hg19) VCF-style: chr2-179489263-G-A.
Other names: c.39821C>T, p.Thr13274Ile (NM_001256850.1); c.17549C>T, p.Thr5850Ile (NM_003319.4); c.37040C>T, p.Thr12347Ile (NM_133378.4); c.17924C>T, p.Thr5975Ile (NM_133432.3); c.18125C>T, p.Thr6042Ile (NM_133437.4); short protein forms T13274I, T5975I, T14915I, T12347I, T5850I, T6042I.
Identifiers: ClinVar variation 1779442 (VCV001779442.2), dbSNP rs765495409, ClinGen allele CA1995584.

ClinVar aggregate classification (germline): Uncertain significance (1 of 4 stars; one submission).

Conditions:
Cardiovascular phenotype. Identifiers: MedGen CN230736.

Allele frequency attached by ClinVar (database versions not stated): gnomAD exomes below 0.00001; TOPMed below 0.00001; ExAC 0.00001; gnomAD 0.00002.
gnomAD v4.1: 9 of 1,612,580 alleles (0.00056%); highest among the groups gnomAD compares: Non-Finnish European, 0.00068%; no homozygotes.

Submission:

Ambry Genetics
Classification: Uncertain significance for Cardiovascular phenotype. Last evaluated: 2019-10-23. Review status: criteria provided, single submitter. Criteria: Ambry Variant Classification Scheme 2023. Collection method: clinical testing. Allele origin: germline.
Comment: The p.T5850I variant (also known as c.17549C>T), located in coding exon 69 of the TTN gene, results from a C to T substitution at nucleotide position 17549. The threonine at codon 5850 is replaced by isoleucine, an amino acid with similar properties. This amino acid position is well conserved in available vertebrate species. In addition, this alteration is predicted to be tolerated by in silico analysis. Since supporting evidence is limited at this time, the clinical significance of this alteration remains unclear.